The following is an entry in ClinVar:

NM_003730.6(RNASET2):c.394AAG[1] (p.Lys133del)

Gene: RNASET2 (ribonuclease T2; minus strand). Cytogenetic location: 6q27.
Variant type: Microsatellite.
Coding change: c.394AAG[1] on transcript NM_003730.6 (MANE Select); one copy of the 3-base unit AAG starting at c.394; the reference has two copies in a row; one copy, 3 bases deleted; also written c.397_399del.
Protein change: p.Lys133del; deletes lysine 133.
Molecular consequence: inframe deletion.
Genome position (GRCh38, 1-based): chr6:166,938,942-166,938,944, CTT deleted on the plus strand (AAG on the coding strand, the reverse complement: RNASET2 is on the minus strand); deleting any 3 consecutive bases within chr6:166,938,942-166,938,949 gives the same sequence; the position shown is the placement nearest the transcript's 3' end. VCF-style (leftmost placement, unchanged base first): chr6-166938941-ACTT-A. GRCh37 (hg19) VCF-style: chr6-167352429-ACTT-A.
Other names: c.397_399del (NM_003730.6); c.397_399delAAG (NM_003730.4); short protein forms K133del.
Identifiers: ClinVar variation 2435443 (VCV002435443.4), dbSNP rs781239107, ClinGen allele CA4095011.
Genomic context (GRCh38, chr6:166,938,941, plus strand): 5'-AAGGGCGCACCCACCTGTTGAGGTCCAGCTCCCTGTAGAGTTCCAGGCTTCTGCCAAAGT[ACTT>A]CTTCTGGGAGTTGAGCGCATCCACCTGGGCGGCGCAGGTCCCATGCTTTTCCCACTCATG-3'

ClinVar aggregate classification (germline): Uncertain significance. Review status: criteria provided, multiple submitters, no conflicts (2 of 4 stars). 2 submissions from 2 submitters: Uncertain significance (2). Last evaluated 2023-04-17.

Conditions:
Cystic leukoencephalopathy without megalencephaly. Identifiers: Orphanet 85136, MedGen C2751843, MONDO:0013058, OMIM 612951.

Submissions (2):

Women's Health and Genetics/Laboratory Corporation of America, LabCorp
Classification: Uncertain significance. Last evaluated: 2023-04-17. Review status: criteria provided, single submitter. Criteria: LabCorp Variant Classification Summary - May 2015. Collection method: clinical testing. Allele origin: germline.
Comment: Variant summary: RNASET2 c.397_399delAAG (p.Lys133del) results in an in-frame deletion that is predicted to remove 1 amino acid from the encoded protein. The variant allele was found at a frequency of 1.6e-05 in 248656 control chromosomes. The available data on variant occurrences in the general population are insufficient to allow any conclusion about variant significance. c.397_399delAAG has been reported in the literature in an individual affected with Cystic Leukoencephalopathy Without Megalencephaly who was reported as compound heterozygous with a truncating variant (Tonduti_2016, Rice_2017). These data do not allow any conclusion about variant significance. To our knowledge, no experimental evidence demonstrating an impact on protein function has been reported. One submitter has provided a clinical-significance assessment for this variant to ClinVar after 2014 without evidence for independent evaluation, and classified the variant as uncertain significance. Based on the evidence outlined above, the variant was classified as uncertain significance.

Revvity Omics, Revvity
Classification: Uncertain significance for Cystic leukoencephalopathy without megalencephaly. Last evaluated: 2021-12-10. Review status: criteria provided, single submitter. Criteria: ACMG Guidelines, 2015. Collection method: clinical testing. Allele origin: germline.

Literature cited by the submitters: PubMed 27943079 (cited by Women's Health and Genetics/Laboratory Corporation of America, LabCorp); PubMed 27091087 (cited by Women's Health and Genetics/Laboratory Corporation of America, LabCorp).